The following is an entry in ClinVar:

ClinVar aggregate classification (germline): Uncertain significance. Review status: criteria provided, multiple submitters, no conflicts (2 of 4 stars). 2 submissions from 2 submitters: Uncertain significance (2). Last evaluated 2025-08-05.

Allele frequency attached by ClinVar (database versions not stated): gnomAD 0.00001; gnomAD exomes 0.00001; TOPMed 0.00001; ExAC 0.00002; ESP Exome Variant Server 0.00015.
gnomAD v4.1: 20 of 1,614,054 alleles (0.0012%); highest among the groups gnomAD compares: Non-Finnish European, 0.0017%; no homozygotes.

Submissions (2):

Labcorp Genetics (formerly Invitae), Labcorp
Classification: Uncertain significance. Last evaluated: 2025-08-05. Review status: criteria provided, single submitter. Criteria: Invitae Variant Classification Sherloc (09022015). Collection method: clinical testing. Allele origin: germline.
Comment: This sequence change replaces methionine, which is neutral and non-polar, with valine, which is neutral and non-polar, at codon 448 of the TRAP1 protein (p.Met448Val). This variant is present in population databases (rs143608787, gnomAD 0.004%). This variant has not been reported in the literature in individuals affected with TRAP1-related conditions. ClinVar contains an entry for this variant (Variation ID: 2539790). Invitae Evidence Modeling of protein sequence and biophysical properties (such as structural, functional, and spatial information, amino acid conservation, physicochemical variation, residue mobility, and thermodynamic stability) indicates that this missense variant is not expected to disrupt TRAP1 protein function with a negative predictive value of 80%. In summary, the available evidence is currently insufficient to determine the role of this variant in disease. Therefore, it has been classified as a Variant of Uncertain Significance.

Ambry Genetics
Classification: Uncertain significance. Last evaluated: 2023-03-20. Review status: criteria provided, single submitter. Criteria: Ambry Variant Classification Scheme 2023. Collection method: clinical testing. Allele origin: germline.

NM_016292.3(TRAP1):c.1342A>G (p.Met448Val)

Gene: TRAP1 (TNF receptor associated protein 1; minus strand). Cytogenetic location: 16p13.3.
Variant type: single nucleotide variant.
Coding change: c.1342A>G on transcript NM_016292.3 (MANE Select); coding-DNA position 1342, A replaced by G.
Protein change: p.Met448Val; replaces methionine 448 with valine.
Molecular consequence: missense variant.
Genome position (GRCh38, 1-based): chr16:3,666,012, T>C on the plus strand (A>G on the coding strand, the complement: TRAP1 is on the minus strand). VCF-style: chr16-3666012-T-C. GRCh37 (hg19) VCF-style: chr16-3716013-T-C.
Other names: c.1183A>G, p.Met395Val (NM_001272049.2); short protein forms M448V, M395V.
Identifiers: ClinVar variation 2539790 (VCV002539790.3), dbSNP rs143608787, ClinGen allele CA7868146.